The following is an entry in ClinVar:

ClinVar aggregate classification (germline): Uncertain significance (1 of 4 stars; one submission).

Conditions:
Cardiovascular phenotype. Identifiers: MedGen CN230736.

gnomAD v4.1: 1 of 1,613,996 alleles (0.000062%); no homozygotes.

Submission:

Ambry Genetics
Classification: Uncertain significance for Cardiovascular phenotype. Last evaluated: 2025-06-22. Review status: criteria provided, single submitter. Criteria: Ambry Variant Classification Scheme 2023. Collection method: clinical testing. Allele origin: germline.
Comment: The p.M783I variant (also known as c.2349G>C), located in coding exon 17 of the DSP gene, results from a G to C substitution at nucleotide position 2349. The methionine at codon 783 is replaced by isoleucine, an amino acid with highly similar properties. This amino acid position is conserved. In addition, this alteration is predicted to be tolerated by in silico analysis. Based on the available evidence, the clinical significance of this variant remains unclear.

NM_004415.4(DSP):c.2349G>C (p.Met783Ile)

Gene: DSP (desmoplakin; plus strand). Cytogenetic location: 6p24.3.
Variant type: single nucleotide variant.
Coding change: c.2349G>C on transcript NM_004415.4 (MANE Select); coding-DNA position 2349, G replaced by C.
Protein change: p.Met783Ile; replaces methionine 783 with isoleucine.
Molecular consequence: missense variant.
Genome position (GRCh38, 1-based): chr6:7,574,708, G>C. VCF-style: chr6-7574708-G-C. GRCh37 (hg19) VCF-style: chr6-7574941-G-C.
Other names: c.2349G>C, p.Met783Ile (NM_001008844.3, NM_001319034.2); short protein forms M783I.
Identifiers: ClinVar variation 4245108 (VCV004245108.1).
Genomic context (GRCh38, chr6:7,574,708, plus strand): 5'-TCTTTCCAGCTTATGCACAGTAAGGGCACTGCTCCAGGCTATTCTCCAAACAGAAGACAT[G>C]TTAAAGGTTTATGAAGCCAGGCTCACTGAGGAGGAAACTGTCTGCCTGGACCTGGATAAA-3'
Protein context (NP_004406.2, residues 773-793): LLQAILQTED[Met783Ile]LKVYEARLTE